The following is an entry in ClinVar:

ClinVar aggregate classification (germline): Uncertain significance. Review status: criteria provided, multiple submitters, no conflicts (2 of 4 stars). 3 submissions from 3 submitters: Uncertain significance (3). Last evaluated 2024-10-25.

Conditions:
Hereditary breast ovarian cancer syndrome. Also called: Hereditary breast and ovarian cancer syndrome; Hereditary breast and ovarian cancer; Hereditary breast and ovarian cancer syndrome (HBOC); Breast and ovarian cancer; Hereditary breast and/or ovarian cancer syndrome; BRCA1- and BRCA2-Associated Hereditary Breast and Ovarian Cancer. Identifiers: Orphanet 145, MedGen C0677776, MeSH D061325, MONDO:0003582. Disease mechanism: loss of function.
Hereditary cancer-predisposing syndrome. Also called: Neoplastic Syndromes, Hereditary; Tumor predisposition; Hereditary neoplastic syndrome; Hereditary Cancer Syndrome. Identifiers: Orphanet 140162, MedGen C0027672, MeSH D009386, MONDO:0015356.
Familial cancer of breast. Also called: BREAST CANCER, FAMILIAL; Hereditary breast cancer; hereditary breast carcinoma. Identifiers: Orphanet 227535, MedGen C0346153, MONDO:0016419, OMIM 114480. Disease mechanism: loss of function.

Submissions (3):

Ambry Genetics
Classification: Uncertain significance for Hereditary cancer-predisposing syndrome. Last evaluated: 2024-10-25. Review status: criteria provided, single submitter. Criteria: Ambry Variant Classification Scheme 2023. Collection method: clinical testing. Allele origin: germline.
Comment: The p.D2938E variant (also known as c.8814T>A), located in coding exon 21 of the BRCA2 gene, results from a T to A substitution at nucleotide position 8814. The aspartic acid at codon 2938 is replaced by glutamic acid, an amino acid with highly similar properties. This amino acid position is well conserved in available vertebrate species. In addition, this alteration is predicted to be tolerated by in silico analysis. Based on the available evidence, the clinical significance of this variant remains unclear.

Labcorp Genetics (formerly Invitae), Labcorp
Classification: Uncertain significance for Hereditary breast ovarian cancer syndrome. Last evaluated: 2024-10-08. Review status: criteria provided, single submitter. Criteria: Invitae Variant Classification Sherloc (09022015). Collection method: clinical testing. Allele origin: germline.
Comment: This sequence change replaces aspartic acid, which is acidic and polar, with glutamic acid, which is acidic and polar, at codon 2938 of the BRCA2 protein (p.Asp2938Glu). This variant is not present in population databases (gnomAD no frequency). This variant has not been reported in the literature in individuals affected with BRCA2-related conditions. Invitae Evidence Modeling of protein sequence and biophysical properties (such as structural, functional, and spatial information, amino acid conservation, physicochemical variation, residue mobility, and thermodynamic stability) indicates that this missense variant is not expected to disrupt BRCA2 protein function with a negative predictive value of 95%. In summary, the available evidence is currently insufficient to determine the role of this variant in disease. Therefore, it has been classified as a Variant of Uncertain Significance.

Baylor Genetics
Classification: Uncertain significance for Familial cancer of breast. Last evaluated: 2024-03-13. Review status: criteria provided, single submitter. Criteria: ACMG Guidelines, 2015. Collection method: clinical testing. Allele origin: unknown.

NM_000059.4(BRCA2):c.8814T>A (p.Asp2938Glu)

Gene: BRCA2 (BRCA2 DNA repair associated; plus strand). Cytogenetic location: 13q13.1.
Variant type: single nucleotide variant.
Coding change: c.8814T>A on transcript NM_000059.4 (MANE Select); coding-DNA position 8814, T replaced by A.
Protein change: p.Asp2938Glu; replaces aspartic acid 2938 with glutamic acid.
Molecular consequence: missense variant. On other transcripts: non-coding transcript variant (1).
Genome position (GRCh38, 1-based): chr13:32,379,376, T>A. VCF-style: chr13-32379376-T-A. GRCh37 (hg19) VCF-style: chr13-32953513-T-A.
Other names: c.8718T>A, p.Asp2906Glu (NM_001406719.1); c.8814T>A, p.Asp2938Glu (NM_001406720.1); c.3882T>A, p.Asp1294Glu (NM_001406721.1); c.2397T>A, p.Asp799Glu (NM_001406722.1); short protein forms D1294E, D2906E, D2938E, D799E.
Identifiers: ClinVar variation 3240948 (VCV003240948.4), dbSNP rs749387616.